The following is an entry in ClinVar:

ClinVar aggregate classification (germline): Uncertain significance (1 of 4 stars; one submission).

Allele frequency attached by ClinVar (database versions not stated): gnomAD exomes below 0.00001.
gnomAD v4.1: 1 of 1,613,946 alleles (0.000062%); highest among the groups gnomAD compares: Admixed American, 0.0017%; no homozygotes.

Submission:

Labcorp Genetics (formerly Invitae), Labcorp
Classification: Uncertain significance. Last evaluated: 2024-10-03. Review status: criteria provided, single submitter. Criteria: Invitae Variant Classification Sherloc (09022015). Collection method: clinical testing. Allele origin: germline.
Comment: This sequence change falls in intron 31 of the COL9A2 gene. It does not directly change the encoded amino acid sequence of the COL9A2 protein. It affects a nucleotide within the consensus splice site. This variant is not present in population databases (gnomAD no frequency). This variant has not been reported in the literature in individuals affected with COL9A2-related conditions. ClinVar contains an entry for this variant (Variation ID: 1481264). Variants that disrupt the consensus splice site are a relatively common cause of aberrant splicing (PMID: 17576681, 9536098). Algorithms developed to predict the effect of sequence changes on RNA splicing suggest that this variant is not likely to affect RNA splicing. In summary, the available evidence is currently insufficient to determine the role of this variant in disease. Therefore, it has been classified as a Variant of Uncertain Significance.

Literature cited by the submitters: PubMed 17576681; PubMed 9536098.

NM_001852.4(COL9A2):c.1870+3A>G

Gene: COL9A2 (collagen type IX alpha 2 chain; minus strand). Cytogenetic location: 1p34.2.
Variant type: single nucleotide variant.
Coding change: c.1870+3A>G on transcript NM_001852.4 (MANE Select); 3 bases into the intron after coding-DNA position 1870, A replaced by G.
Molecular consequence: intron variant.
Genome position (GRCh38, 1-based): chr1:40,301,809, T>C on the plus strand (A>G on the coding strand, the complement: COL9A2 is on the minus strand). VCF-style: chr1-40301809-T-C. GRCh37 (hg19) VCF-style: chr1-40767481-T-C.
Identifiers: ClinVar variation 1481264 (VCV001481264.6), dbSNP rs2124035045, ClinGen allele CA2573131898.